The following is an entry in ClinVar:

ClinVar aggregate classification (germline): Likely benign. Review status: criteria provided, single submitter (1 of 4 stars). 2 submissions from 2 submitters: Likely benign (1). 1 of the submissions does not count toward it. Last evaluated 2024-10-08.

Conditions:
SETD1B-related disorder. Also called: SETD1B-related condition.

Allele frequency attached by ClinVar (database versions not stated): ExAC 0.00136; gnomAD 0.00443; TOPMed 0.00531; 1000 Genomes Project 0.00779; 1000 Genomes Project 30x 0.00843.
gnomAD v4.1: 1,283 of 1,532,434 alleles (0.084%); highest among the groups gnomAD compares: African/African-American, 1.5%; 9 homozygotes.

Submissions (2):

Blueprint Genetics
Classification: Likely benign. Last evaluated: 2024-10-08. Review status: criteria provided, single submitter. Criteria: ACMG Guidelines, 2015. Collection method: clinical testing. Allele origin: germline.

PreventionGenetics, part of Exact Sciences
Classification: Benign for SETD1B-related condition. Last evaluated: 2024-04-03. Review status: no assertion criteria provided. Collection method: clinical testing. Allele origin: germline. Not counted in ClinVar's aggregate classification.
Comment: This variant is classified as benign based on ACMG/AMP sequence variant interpretation guidelines (Richards et al. 2015 PMID: 25741868, with internal and published modifications).

NM_001353345.2(SETD1B):c.1998G>A (p.Ala666=)

Gene: SETD1B (SET domain containing 1B, histone lysine methyltransferase; plus strand). Cytogenetic location: 12q24.31.
Variant type: single nucleotide variant.
Coding change: c.1998G>A on transcript NM_001353345.2 (MANE Select); coding-DNA position 1998, G replaced by A.
Protein change: p.Ala666=; no amino-acid change (alanine 666 retained).
Molecular consequence: synonymous variant.
Genome position (GRCh38, 1-based): chr12:121,814,213, G>A. VCF-style: chr12-121814213-G-A. GRCh37 (hg19) VCF-style: chr12-122252119-G-A.
Other names: NM_015048.1:c.1998G>A.
Identifiers: ClinVar variation 3042821 (VCV003042821.3), dbSNP rs534731512, ClinGen allele CA6838930.